The following is an entry in ClinVar:

NM_001142864.4(PIEZO1):c.2617C>A (p.Gln873Lys)

Genes: HSALR1 (HSP90AB1 associated lncRNA 1; plus strand), PIEZO1 (piezo type mechanosensitive ion channel component 1 (Er blood group); minus strand). Cytogenetic location: 16q24.3.
Variant type: single nucleotide variant.
Coding change: c.2617C>A on transcript NM_001142864.4 (MANE Select); coding-DNA position 2617, C replaced by A.
Protein change: p.Gln873Lys; replaces glutamine 873 with lysine.
Molecular consequence: missense variant.
Genome position (GRCh38, 1-based): chr16:88,733,325, G>T on the plus strand (C>A on the coding strand, the complement: PIEZO1 is on the minus strand). VCF-style: chr16-88733325-G-T. GRCh37 (hg19) VCF-style: chr16-88799733-G-T.
Other names: short protein forms Q873K.
Identifiers: ClinVar variation 3687403 (VCV003687403.2).

ClinVar aggregate classification (germline): Uncertain significance (1 of 4 stars; one submission).

Submission:

Labcorp Genetics (formerly Invitae), Labcorp
Classification: Uncertain significance. Last evaluated: 2024-12-23. Review status: criteria provided, single submitter. Criteria: Invitae Variant Classification Sherloc (09022015). Collection method: clinical testing. Allele origin: germline.
Comment: This sequence change replaces glutamine, which is neutral and polar, with lysine, which is basic and polar, at codon 873 of the PIEZO1 protein (p.Gln873Lys). This variant is not present in population databases (gnomAD no frequency). This variant has not been reported in the literature in individuals affected with PIEZO1-related conditions. Invitae Evidence Modeling of protein sequence and biophysical properties (such as structural, functional, and spatial information, amino acid conservation, physicochemical variation, residue mobility, and thermodynamic stability) indicates that this missense variant is expected to disrupt PIEZO1 protein function with a positive predictive value of 80%. In summary, the available evidence is currently insufficient to determine the role of this variant in disease. Therefore, it has been classified as a Variant of Uncertain Significance.